The following is an entry in ClinVar:

ClinVar aggregate classification (germline): Uncertain significance. Review status: criteria provided, multiple submitters, no conflicts (2 of 4 stars). 4 submissions from 3 submitters: Uncertain significance (4). Last evaluated 2023-11-04.

Conditions:
Retinitis pigmentosa 39 (RP39). Identifiers: Orphanet 791, MedGen C3151138, MONDO:0013436, OMIM 613809.
Usher syndrome type 2A. Also called: RETINAL DISEASE IN USHER SYNDROME TYPE IIA, MODIFIER OF; USHER SYNDROME, TYPE IIA. Identifiers: Orphanet 231178, Orphanet 886, MedGen C1848634, MONDO:0010169, OMIM 276901.

Submissions (4):

Genome-Nilou Lab
Classification: Uncertain significance for Retinitis pigmentosa 39. Last evaluated: 2023-11-04. Review status: criteria provided, single submitter. Criteria: ACMG Guidelines, 2015. Collection method: clinical testing. Allele origin: germline. Affected: no.

Genome-Nilou Lab
Classification: Uncertain significance for Usher syndrome type 2A. Last evaluated: 2023-11-04. Review status: criteria provided, single submitter. Criteria: ACMG Guidelines, 2015. Collection method: clinical testing. Allele origin: germline. Affected: no.

Labcorp Genetics (formerly Invitae), Labcorp
Classification: Uncertain significance. Last evaluated: 2022-06-12. Review status: criteria provided, single submitter. Criteria: Invitae Variant Classification Sherloc (09022015). Collection method: clinical testing. Allele origin: germline.
Comment: In summary, the available evidence is currently insufficient to determine the role of this variant in disease. Therefore, it has been classified as a Variant of Uncertain Significance. Experimental studies and prediction algorithms are not available or were not evaluated, and the functional significance of this variant is currently unknown. ClinVar contains an entry for this variant (Variation ID: 866343). This variant has not been reported in the literature in individuals affected with USH2A-related conditions. This variant is not present in population databases (gnomAD no frequency). This variant, c.7340_7348del, results in the deletion of 3 amino acid(s) of the USH2A protein (p.Thr2447_Thr2449del), but otherwise preserves the integrity of the reading frame.

Blueprint Genetics
Classification: Uncertain significance. Last evaluated: 2021-09-16. Review status: criteria provided, single submitter. Criteria: ACMG Guidelines, 2015. Collection method: clinical testing. Allele origin: germline.

NM_206933.4(USH2A):c.7340_7348del (p.Thr2447_Thr2449del)

Gene: USH2A (usherin; minus strand). Cytogenetic location: 1q41.
Variant type: Deletion.
Coding change: c.7340_7348del on transcript NM_206933.4 (MANE Select); coding-DNA positions 7340 to 7348, 9 bases deleted (CTCCAACCA; older notation c.7340_7348delCTCCAACCA).
Protein change: p.Thr2447_Thr2449del.
Molecular consequence: inframe deletion.
Genome position (GRCh38, 1-based): chr1:215,900,858-215,900,866, TGGTTGGAG deleted on the plus strand (CTCCAACCA on the coding strand, the reverse complement: USH2A is on the minus strand); deleting any 9 consecutive bases within chr1:215,900,858-215,900,869 gives the same sequence; the c. name uses the placement nearest the transcript's 3' end. VCF-style (leftmost placement, unchanged base first): chr1-215900857-CTGGTTGGAG-C. GRCh37 (hg19) VCF-style: chr1-216074199-CTGGTTGGAG-C.
Identifiers: ClinVar variation 866343 (VCV000866343.8), dbSNP rs1665478442, ClinGen allele CA916082133.
Genomic context (GRCh38, chr1:215,900,857, plus strand): 5'-TGGTATCTGGGAGAGCCAGGAGCGTTATTACGAGCTGGTGTAGACCAGACAACCTGAAGA[CTGGTTGGAG>C]TGGCAGATGAAAGCCTGGGAGGCAGCACGCCATCTGGAGCTGTCGAAAAACACAGATGAA-3'